The following is an entry in ClinVar:

NM_001267550.2(TTN):c.104647C>T (p.Arg34883Cys)

Genes: TTN-AS1 (TTN antisense RNA 1; plus strand), TTN (titin; minus strand). Cytogenetic location: 2q31.2.
Variant type: single nucleotide variant.
Coding change: c.104647C>T on transcript NM_001267550.2 (MANE Select); coding-DNA position 104647, C replaced by T.
Protein change: p.Arg34883Cys; replaces arginine 34883 with cysteine.
Molecular consequence: missense variant.
Genome position (GRCh38, 1-based): chr2:178,531,968, G>A on the plus strand (C>T on the coding strand, the complement: TTN is on the minus strand). VCF-style: chr2-178531968-G-A. GRCh37 (hg19) VCF-style: chr2-179396695-G-A.
Other names: c.99724C>T, p.Arg33242Cys (NM_001256850.1); c.77452C>T, p.Arg25818Cys (NM_003319.4); c.96943C>T, p.Arg32315Cys (NM_133378.4); c.77827C>T, p.Arg25943Cys (NM_133432.3); c.78028C>T, p.Arg26010Cys (NM_133437.4); short protein forms R25943C, R26010C, R32315C, R34883C, R25818C, R33242C.
Identifiers: ClinVar variation 1363285 (VCV001363285.8), dbSNP rs1003158162, ClinGen allele CA60956050.

ClinVar aggregate classification (germline): Uncertain significance (1 of 4 stars; one submission).

Conditions:
Dilated cardiomyopathy 1G (CMD1G). Identifiers: Orphanet 154, MedGen C1858763, MONDO:0011400, OMIM 604145.
Autosomal recessive limb-girdle muscular dystrophy type 2J (LGMDR10). Also called: Limb-girdle muscular dystrophy, type 2J; MUSCULAR DYSTROPHY, LIMB-GIRDLE, AUTOSOMAL RECESSIVE 10. Identifiers: Orphanet 140922, MedGen C1837342, MONDO:0012127, OMIM 608807.

Allele frequency attached by ClinVar (database versions not stated): gnomAD exomes below 0.00001; TOPMed below 0.00001.
gnomAD v4.1: 7 of 1,613,712 alleles (0.00043%); highest among the groups gnomAD compares: East Asian, 0.0022%; no homozygotes.

Submission:

Labcorp Genetics (formerly Invitae), Labcorp
Classification: Uncertain significance for Dilated cardiomyopathy 1G; Autosomal recessive limb-girdle muscular dystrophy type 2J. Last evaluated: 2025-01-27. Review status: criteria provided, single submitter. Criteria: Invitae Variant Classification Sherloc (09022015). Collection method: clinical testing. Allele origin: germline.
Comment: This sequence change replaces arginine, which is basic and polar, with cysteine, which is neutral and slightly polar, at codon 34883 of the TTN protein (p.Arg34883Cys). This variant is present in population databases (no rsID available, gnomAD 0.0009%). This variant has not been reported in the literature in individuals affected with TTN-related conditions. ClinVar contains an entry for this variant (Variation ID: 1363285). Experimental studies and prediction algorithms are not available or were not evaluated, and the functional significance of this variant is currently unknown. This variant is located in the M band of TTN (PMID: 25589632). Non-truncating variants in this region may be relevant for neuromuscular disorders, but have not been definitively shown to cause cardiomyopathy (PMID: 23975875). In summary, the available evidence is currently insufficient to determine the role of this variant in disease. Therefore, it has been classified as a Variant of Uncertain Significance.

Literature cited by the submitters: PubMed 25589632; PubMed 23975875.